The following is an entry in ClinVar:

NM_000535.7(PMS2):c.1972C>T (p.Gln658Ter)

Gene: PMS2 (PMS1 homolog 2, mismatch repair system component; minus strand). Cytogenetic location: 7p22.1.
Variant type: single nucleotide variant.
Coding change: c.1972C>T on transcript NM_000535.7 (MANE Select); coding-DNA position 1972, C replaced by T.
Protein change: p.Gln658Ter; replaces glutamine 658 with a stop codon.
Molecular consequence: nonsense. On other transcripts: non-coding transcript variant (1).
Genome position (GRCh38, 1-based): chr7:5,986,793, G>A on the plus strand (C>T on the coding strand, the complement: PMS2 is on the minus strand). VCF-style: chr7-5986793-G-A. GRCh37 (hg19) VCF-style: chr7-6026424-G-A.
Other names: c.1567C>T, p.Gln523Ter (NM_001322003.2, NM_001322004.2, NM_001322005.2 and 1 more transcripts); c.1816C>T, p.Gln606Ter (NM_001322006.2); c.1654C>T, p.Gln552Ter (NM_001322007.2, NM_001322008.2); c.1411C>T, p.Gln471Ter (NM_001322010.2); c.1039C>T, p.Gln347Ter (NM_001322011.2, NM_001322012.2); c.1399C>T, p.Gln467Ter (NM_001322013.2); c.1972C>T, p.Gln658Ter (NM_001322014.2); c.1663C>T, p.Gln555Ter (NM_001322015.2); short protein forms Q555*, Q347*, Q471*, Q523*, Q658*, Q552*, Q606*, Q467*.
Identifiers: ClinVar variation 1451259 (VCV001451259.6), dbSNP rs1172837844, ClinGen allele CA366739008.

ClinVar aggregate classification (germline): Pathogenic. Review status: criteria provided, multiple submitters, no conflicts (2 of 4 stars). 2 submissions from 2 submitters: Pathogenic (2). Last evaluated 2023-09-21.

Conditions:
Hereditary nonpolyposis colorectal neoplasms. Identifiers: MedGen C0009405, MeSH D003123.
Lynch syndrome 4 (LYNCH4). Also called: Hereditary non-polyposis colorectal cancer, type 4; Colorectal cancer, hereditary nonpolyposis, type 4. Identifiers: Orphanet 144, MedGen C1838333, MONDO:0013699, OMIM 614337. Disease mechanism: loss of function.

Allele frequency attached by ClinVar (database versions not stated): TOPMed below 0.00001.

Submissions (2):

Myriad Genetics, Inc.
Classification: Pathogenic for Lynch syndrome 4. Last evaluated: 2023-09-21. Review status: criteria provided, single submitter. Criteria: Myriad Autosomal Dominant, Autosomal Recessive and X-Linked Classification Criteria (2023). Collection method: clinical testing. Allele origin: unknown.
Comment: This variant is considered pathogenic. This variant creates a termination codon and is predicted to result in premature protein truncation.

Labcorp Genetics (formerly Invitae), Labcorp
Classification: Pathogenic for Hereditary nonpolyposis colorectal neoplasms. Last evaluated: 2020-12-17. Review status: criteria provided, single submitter. Criteria: Invitae Variant Classification Sherloc (09022015). Collection method: clinical testing. Allele origin: germline.
Comment: This sequence change creates a premature translational stop signal (p.Gln658*) in the PMS2 gene. It is expected to result in an absent or disrupted protein product. Loss-of-function variants in PMS2 are known to be pathogenic (PMID: 21376568, 24362816). This variant is not present in population databases (ExAC no frequency). This variant has not been reported in the literature in individuals with PMS2-related conditions. For these reasons, this variant has been classified as Pathogenic.

Literature cited by the submitters: PubMed 21376568 (cited by Labcorp Genetics (formerly Invitae), Labcorp); PubMed 24362816 (cited by Labcorp Genetics (formerly Invitae), Labcorp).